The following is an entry in ClinVar:

NM_000548.5(TSC2):c.4369del (p.Arg1457fs)

Gene: TSC2 (TSC complex subunit 2; plus strand). Cytogenetic location: 16p13.3.
Variant type: Deletion.
Coding change: c.4369del on transcript NM_000548.5 (MANE Select); coding-DNA position 4369, one base deleted (C; older notation c.4369delC).
Protein change: p.Arg1457fs; shifts the reading frame from arginine 1457.
Molecular consequence: frameshift variant.
Genome position (GRCh38, 1-based): chr16:2,084,591, C deleted; the last of 2 consecutive C bases (chr16:2,084,590-2,084,591); deleting either gives the same sequence. VCF-style (leftmost placement, unchanged base first): chr16-2084589-TC-T. GRCh37 (hg19) VCF-style: chr16-2134590-TC-T.
Other names: c.4168del, p.Arg1390fs (NM_001077183.3); c.4300del, p.Arg1434fs (NM_001114382.3); c.4060del, p.Arg1354fs (NM_001318827.2); c.4024del, p.Arg1342fs (NM_001318829.2); c.3637del, p.Arg1213fs (NM_001318831.2); c.4201del, p.Arg1401fs (NM_001318832.2); c.4171del, p.Arg1391fs (NM_001363528.2); c.4237del, p.Arg1413fs (NM_001370404.1); and 1 more; short protein forms R1213fs, R1390fs, R1342fs, R1354fs, R1413fs, R1391fs, R1434fs, R1401fs.
Identifiers: ClinVar variation 586858 (VCV000586858.2), dbSNP rs1567524236, ClinGen allele CA891844195.

ClinVar aggregate classification (germline): Pathogenic (1 of 4 stars; one submission).

Submission:

Athena Diagnostics
Classification: Pathogenic. Last evaluated: 2019-11-21. Review status: criteria provided, single submitter. Criteria: Athena Diagnostics Criteria. Collection method: clinical testing. Allele origin: unknown.
Comment: The variant results in a shift of the reading frame, and is therefore predicted to result in the loss of a functional protein. Found in at least one patient with expected phenotype for this gene, and not found in general population data.